The following is an entry in ClinVar:

NM_004977.3(KCNC3):c.1819del (p.Gly606_Val607insTer)

Gene: KCNC3 (potassium voltage-gated channel subfamily C member 3; minus strand). Cytogenetic location: 19q13.33.
Variant type: Deletion.
Coding change: c.1819del on transcript NM_004977.3 (MANE Select); coding-DNA position 1819, one base deleted (G; older notation c.1819delG).
Protein change: p.Gly606_Val607insTer.
Molecular consequence: nonsense.
Genome position (GRCh38, 1-based): chr19:50,323,134, C deleted on the plus strand (G on the coding strand, the reverse complement: KCNC3 is on the minus strand); the first of 5 consecutive C bases (chr19:50,323,134-50,323,138); deleting any one gives the same sequence. VCF-style (leftmost placement, unchanged base first): chr19-50323133-AC-A. GRCh37 (hg19) VCF-style: chr19-50826390-AC-A.
Other names: c.1591del, p.Gly530_Val531insTer (NM_001372305.1).
Identifiers: ClinVar variation 4056520 (VCV004056520.1).

ClinVar aggregate classification (germline): Uncertain significance (1 of 4 stars; one submission).

Conditions:
Spinocerebellar ataxia type 13 (SCA13). Also called: Spinocerebellar Ataxia Type13. Identifiers: Orphanet 98768, MedGen C1854488, MONDO:0011529, OMIM 605259.

Submission:

Laboratorio de Genetica e Diagnostico Molecular, Hospital Israelita Albert Einstein
Classification: Uncertain significance for Spinocerebellar ataxia type 13. Last evaluated: 2025-03-27. Review status: criteria provided, single submitter. Criteria: ACMG Guidelines, 2015. Collection method: clinical testing. Allele origin: germline. Affected: yes.
Comment: ACMG classification criteria: PM2 supporting